The following is an entry in ClinVar:

NM_000814.6(GABRB3):c.202G>C (p.Asp68His)

Gene: GABRB3 (gamma-aminobutyric acid type A receptor subunit beta3; minus strand). Cytogenetic location: 15q12.
Variant type: single nucleotide variant.
Coding change: c.202G>C on transcript NM_000814.6 (MANE Select); coding-DNA position 202, G replaced by C.
Protein change: p.Asp68His; replaces aspartic acid 68 with histidine.
Molecular consequence: missense variant. On other transcripts: 5 prime UTR variant (1).
Genome position (GRCh38, 1-based): chr15:26,772,440, C>G on the plus strand (G>C on the coding strand, the complement: GABRB3 is on the minus strand). VCF-style: chr15-26772440-C-G. GRCh37 (hg19) VCF-style: chr15-27017587-C-G.
Other names: c.-150G>C (NM_001278631.2); c.202G>C, p.Asp68His (NM_021912.5); short protein forms D68H.
Identifiers: ClinVar variation 5018177 (VCV005018177.1).
Genomic context (GRCh38, chr15:26,772,440, plus strand): 5'-CCCTGGGAGGGCGGGCACTCACCATGTTGACTTCGGAAACCATGTCGATGCTGGCGATGT[C>G]GATGTTCATCCCCACGCAGACCGGGGGACCTGCGGGAAGCACAGGACACGGCGATCAGCC-3'
Protein context (NP_000805.1, residues 58-78): GPPVCVGMNI[Asp68His]IASIDMVSEV

ClinVar aggregate classification (germline): Uncertain significance (1 of 4 stars; one submission).

gnomAD v4.1: 2 of 1,610,900 alleles (0.00012%); highest among the groups gnomAD compares: South Asian, 0.0011%; no homozygotes.

Submission:

GeneDx
Classification: Uncertain significance. Last evaluated: 2026-04-02. Review status: criteria provided, single submitter. Criteria: GeneDx Variant Classification Process June 2021. Collection method: clinical testing. Allele origin: germline.
Comment: Not observed at significant frequency in large population cohorts (gnomAD); In silico analysis suggests that this missense variant does not alter protein structure/function; Has not been previously published as pathogenic or benign to our knowledge